The following is an entry in ClinVar:

NM_198428.3(BBS9):c.1015C>T (p.His339Tyr)

Gene: BBS9 (Bardet-Biedl syndrome 9; plus strand). Cytogenetic location: 7p14.3.
Variant type: single nucleotide variant.
Coding change: c.1015C>T on transcript NM_198428.3 (MANE Select); coding-DNA position 1015, C replaced by T.
Protein change: p.His339Tyr; replaces histidine 339 with tyrosine.
Molecular consequence: missense variant. On other transcripts: non-coding transcript variant (3).
Genome position (GRCh38, 1-based): chr7:33,273,955, C>T. VCF-style: chr7-33273955-C-T. GRCh37 (hg19) VCF-style: chr7-33313567-C-T.
Other names: c.1015C>T, p.His339Tyr (NM_001033604.2, NM_001033605.2, NM_001348036.1 and 5 more transcripts); c.649C>T, p.His217Tyr (NM_001348037.3, NM_001348044.3, NM_001348045.3 and 1 more transcripts); c.742C>T, p.His248Tyr (NM_001348038.3, NM_001348039.3); c.880C>T, p.His294Tyr (NM_001348042.3); short protein forms H217Y, H248Y, H294Y, H339Y.
Identifiers: ClinVar variation 3357155 (VCV003357155.3).

ClinVar aggregate classification (germline): Uncertain significance. Review status: criteria provided, multiple submitters, no conflicts (2 of 4 stars). 3 submissions from 3 submitters: Uncertain significance (2). 1 of the submissions does not count toward it. Last evaluated 2025-06-07.

Conditions:
Inborn genetic diseases. Identifiers: MedGen C0950123, MeSH D030342.
BBS9-related disorder. Also called: BBS9-related condition.

gnomAD v4.1: 14 of 1,613,548 alleles (0.00087%); highest among the groups gnomAD compares: African/African-American, 0.0027%; no homozygotes.

Submissions (3):

Women's Health and Genetics/Laboratory Corporation of America, LabCorp
Classification: Uncertain significance. Last evaluated: 2025-06-07. Review status: criteria provided, single submitter. Criteria: LabCorp Variant Classification Summary - May 2015. Collection method: clinical testing. Allele origin: germline.

Ambry Genetics
Classification: Uncertain significance for Inborn genetic diseases. Last evaluated: 2024-12-07. Review status: criteria provided, single submitter. Criteria: Ambry Variant Classification Scheme 2023. Collection method: clinical testing. Allele origin: germline.

PreventionGenetics, part of Exact Sciences
Classification: Uncertain significance for BBS9-related condition. Last evaluated: 2024-07-10. Review status: no assertion criteria provided. Collection method: clinical testing. Allele origin: germline. Not counted in ClinVar's aggregate classification.
Comment: The BBS9 c.1015C>T variant is predicted to result in the amino acid substitution p.His339Tyr. To our knowledge, this variant has not been reported in the literature. This variant is predicted to alter splicing based on available splicing prediction software and result in a splice donor gain (SpliceAI, Jaganathan et al. 2019. PubMed ID: 30661751). However, the use of computer prediction software is not equivalent to functional evidence. The c.1015C>T variant is reported in 0.0033% of alleles in individuals of South Asian descent in gnomAD. The BBS9 c.1015C>T (p.His339Tyr) variant is typically found in cis with BBS9 c.1014G>T (p.Leu338Phe) in gnomAD, forming a complex allele. It has been reported in ClinVar as c.1014_1015delinsTT (p.Leu338_His339delinsPheTyr) and classified as a variant of uncertain significance, but, has not been reported in the literature either. At this time, the clinical significance of this variant is uncertain due to the absence of conclusive functional and genetic evidence.